The following is an entry in ClinVar:

ClinVar aggregate classification (germline): Benign/Likely benign. Review status: criteria provided, multiple submitters, no conflicts (2 of 4 stars). 3 submissions from 3 submitters: Benign (1); Likely benign (2). Last evaluated 2026-04-01.

Allele frequency attached by ClinVar (database versions not stated): TOPMed 0.00003; 1000 Genomes Project 30x 0.00016; 1000 Genomes Project 0.00020; gnomAD exomes 0.00024 and 0.00063; ExAC 0.00051; gnomAD 0.00052 and 0.00053.
gnomAD v4.1: 421 of 1,613,990 alleles (0.026%); highest among the groups gnomAD compares: Admixed American, 0.0033%; no homozygotes.

Submissions (3):

CeGaT Center for Human Genetics Tuebingen
Classification: Likely benign. Last evaluated: 2026-04-01. Review status: criteria provided, single submitter. Criteria: CeGaT Center For Human Genetics Tuebingen Variant Classification Criteria Version 2. Collection method: clinical testing. Allele origin: germline. Affected: yes. Observed: 1 variant allele.
Comment: CYFIP2: BP4, BP7

Labcorp Genetics (formerly Invitae), Labcorp
Classification: Benign. Last evaluated: 2025-11-28. Review status: criteria provided, single submitter. Criteria: Invitae Variant Classification Sherloc (09022015). Collection method: clinical testing. Allele origin: germline.

Blueprint Genetics
Classification: Likely benign. Last evaluated: 2024-09-24. Review status: criteria provided, single submitter. Criteria: ACMG Guidelines, 2015. Collection method: clinical testing. Allele origin: germline.

NM_001037333.3(CYFIP2):c.2775C>T (p.Ile925=)

Gene: CYFIP2 (cytoplasmic FMR1 interacting protein 2; plus strand). Cytogenetic location: 5q33.3.
Variant type: single nucleotide variant.
Coding change: c.2775C>T on transcript NM_001037333.3 (MANE Select); coding-DNA position 2775, C replaced by T.
Protein change: p.Ile925=; no amino-acid change (isoleucine 925 retained).
Molecular consequence: synonymous variant.
Genome position (GRCh38, 1-based): chr5:157,359,106, C>T. VCF-style: chr5-157359106-C-T. GRCh37 (hg19) VCF-style: chr5-156786114-C-T.
Other names: c.2697C>T, p.Ile899= (NM_001291721.2); c.2850C>T, p.Ile950= (NM_001291722.2); c.2775C>T, p.Ile925= (NM_014376.4).
Identifiers: ClinVar variation 1635769 (VCV001635769.11), dbSNP rs183570769, ClinGen allele CA3534125.
Genomic context (GRCh38, chr5:157,359,106, plus strand): 5'-GAATTTCGTGGGGCCACCTCATTTCAAGACTATCTGCAGACTCCTGGGTTATCAGGGCAT[C>T]GCTGTGGTCATGGAGGAACTGCTAAAGATTGTGAAGAGCTTGGTAAGGAAAGGCCTCAGT-3'
Protein context (NP_001032410.1, residues 915-935): TICRLLGYQG[Ile925=]AVVMEELLKI